The following is an entry in ClinVar:

ClinVar aggregate classification (germline): Uncertain significance (1 of 4 stars; one submission).

Conditions:
Gastrointestinal stromal tumor. Also called: Gastrointestinal stromal tumor, somatic; Gastrointestinal stroma tumor. Identifiers: Orphanet 44890, MedGen C0238198, MeSH D046152, MONDO:0011719, OMIM 606764, HP:0100723.

Submission:

Labcorp Genetics (formerly Invitae), Labcorp
Classification: Uncertain significance for Gastrointestinal stromal tumor. Last evaluated: 2024-11-27. Review status: criteria provided, single submitter. Criteria: Invitae Variant Classification Sherloc (09022015). Collection method: clinical testing. Allele origin: germline.
Comment: This sequence change replaces proline, which is neutral and non-polar, with arginine, which is basic and polar, at codon 551 of the KIT protein (p.Pro551Arg). This variant is not present in population databases (gnomAD no frequency). This variant has not been reported in the literature in individuals affected with KIT-related conditions. An algorithm developed to predict the effect of missense changes on protein structure and function (PolyPhen-2) suggests that this variant is likely to be disruptive. In summary, the available evidence is currently insufficient to determine the role of this variant in disease. Therefore, it has been classified as a Variant of Uncertain Significance.

NM_000222.3(KIT):c.1652C>G (p.Pro551Arg)

Gene: KIT (KIT proto-oncogene, receptor tyrosine kinase; plus strand). Cytogenetic location: 4q12.
Variant type: single nucleotide variant.
Coding change: c.1652C>G on transcript NM_000222.3 (MANE Select); coding-DNA position 1652, C replaced by G.
Protein change: p.Pro551Arg; replaces proline 551 with arginine.
Molecular consequence: missense variant.
Genome position (GRCh38, 1-based): chr4:54,727,420, C>G. VCF-style: chr4-54727420-C-G. GRCh37 (hg19) VCF-style: chr4-55593586-C-G.
Other names: c.1640C>G, p.Pro547Arg (NM_001093772.2, NM_001385286.1); c.1655C>G, p.Pro552Arg (NM_001385284.1, NM_001385290.1); c.1652C>G, p.Pro551Arg (NM_001385285.1); c.1643C>G, p.Pro548Arg (NM_001385288.1, NM_001385292.1); short protein forms P547R, P548R, P552R, P551R.
Identifiers: ClinVar variation 3668218 (VCV003668218.2).